The following is an entry in ClinVar:

NM_201384.3(PLEC):c.5284G>T (p.Ala1762Ser)

Gene: PLEC (plectin; minus strand). Cytogenetic location: 8q24.3.
Variant type: single nucleotide variant.
Coding change: c.5284G>T on transcript NM_201384.3 (MANE Select); coding-DNA position 5284, G replaced by T.
Protein change: p.Ala1762Ser; replaces alanine 1762 with serine.
Molecular consequence: missense variant. On other transcripts: intron variant (1).
Genome position (GRCh38, 1-based): chr8:143,924,645, C>A on the plus strand (G>T on the coding strand, the complement: PLEC is on the minus strand). VCF-style: chr8-143924645-C-A. GRCh37 (hg19) VCF-style: chr8-144998813-C-A.
Other names: c.5365G>T, p.Ala1789Ser (NM_000445.5); c.5242G>T, p.Ala1748Ser (NM_201378.4); c.5218G>T, p.Ala1740Ser (NM_201379.3); c.5695G>T, p.Ala1899Ser (NM_201380.4); c.5188G>T, p.Ala1730Ser (NM_201381.3); c.5284G>T, p.Ala1762Ser (NM_201382.4); c.5296G>T, p.Ala1766Ser (NM_201383.3); c.4125+2139G>T (NM_001410941.1); short protein forms A1730S, A1762S, A1899S, A1748S, A1789S, A1740S, A1766S.
Identifiers: ClinVar variation 2935627 (VCV002935627.3), dbSNP rs886044802, ClinGen allele CA372546519.

ClinVar aggregate classification (germline): Uncertain significance (1 of 4 stars; one submission).

Conditions:
Epidermolysis bullosa simplex with nail dystrophy (EBS5D). Identifiers: MedGen C4225309, MONDO:0014661, OMIM 616487.
Epidermolysis bullosa simplex 5C, with pyloric atresia (EBS5C). Also called: PLEC-Related Epidermolysis Bullosa with Pyloric Atresia; Epidermolysis bullosa simplex with pyloric atresia; PLEC1-Related Epidermolysis Bullosa with Pyloric Atresia. Identifiers: Orphanet 158684, MedGen C2677349, MONDO:0012807, OMIM 612138.
Autosomal recessive limb-girdle muscular dystrophy type 2Q (LGMDR17). Also called: MUSCULAR DYSTROPHY, LIMB-GIRDLE, AUTOSOMAL RECESSIVE 17. Identifiers: Orphanet 254361, MedGen C3150989, MONDO:0013390, OMIM 613723.
Epidermolysis bullosa simplex, Ogna type (EBS5A). Also called: Pidermolysis bullosa simplex 5A, Ogna type; EPIDERMOLYSIS BULLOSA SIMPLEX 5A, OGNA TYPE. Identifiers: Orphanet 79401, MedGen C0432317, MONDO:0007555, OMIM 131950.
Epidermolysis bullosa simplex 5B, with muscular dystrophy (EBS5B). Also called: EPIDERMOLYSIS BULLOSA SIMPLEX AND LIMB-GIRDLE MUSCULAR DYSTROPHY; Epidermolysis bullosa simplex with muscular dystrophy. Identifiers: Orphanet 257, MedGen C2931072, MONDO:0009181, OMIM 226670.

Allele frequency attached by ClinVar (database versions not stated): TOPMed below 0.00001.
gnomAD v4.1: 3 of 1,537,768 alleles (0.0002%); highest among the groups gnomAD compares: Admixed American, 0.0058%; no homozygotes.

Submission:

Labcorp Genetics (formerly Invitae), Labcorp
Classification: Uncertain significance for Autosomal recessive limb-girdle muscular dystrophy type 2Q; Epidermolysis bullosa simplex, Ogna type; Epidermolysis bullosa simplex with nail dystrophy; Epidermolysis bullosa simplex 5C, with pyloric atresia; Epidermolysis bullosa simplex 5B, with muscular dystrophy. Last evaluated: 2025-02-02. Review status: criteria provided, single submitter. Criteria: Invitae Variant Classification Sherloc (09022015). Collection method: clinical testing. Allele origin: germline.
Comment: This sequence change replaces alanine, which is neutral and non-polar, with serine, which is neutral and polar, at codon 1789 of the PLEC protein (p.Ala1789Ser). This variant is present in population databases (no rsID available, gnomAD 0.004%). This variant has not been reported in the literature in individuals affected with PLEC-related conditions. ClinVar contains an entry for this variant (Variation ID: 2935627). Experimental studies and prediction algorithms are not available or were not evaluated, and the functional significance of this variant is currently unknown. In summary, the available evidence is currently insufficient to determine the role of this variant in disease. Therefore, it has been classified as a Variant of Uncertain Significance.